The following is an entry in ClinVar:

ClinVar aggregate classification (germline): Uncertain significance (1 of 4 stars; one submission).

Conditions:
Christianson syndrome (MRXSCH). Also called: SLC9A6-Related Syndromic Mental Retardation; X-linked mental retardation, syndromic, Christianson type; INTELLECTUAL DEVELOPMENTAL DISORDER, X-LINKED, SYNDROMIC, CHRISTIANSON TYPE. Identifiers: Orphanet 85278, MedGen C2678194, MONDO:0010278, OMIM 300243.

Submission:

Labcorp Genetics (formerly Invitae), Labcorp
Classification: Uncertain significance for Christianson syndrome. Last evaluated: 2022-07-26. Review status: criteria provided, single submitter. Criteria: Invitae Variant Classification Sherloc (09022015). Collection method: clinical testing. Allele origin: germline.
Comment: In summary, the available evidence is currently insufficient to determine the role of this variant in disease. Therefore, it has been classified as a Variant of Uncertain Significance. Algorithms developed to predict the effect of sequence changes on RNA splicing suggest that this variant may create or strengthen a splice site. Algorithms developed to predict the effect of missense changes on protein structure and function are either unavailable or do not agree on the potential impact of this missense change (SIFT: "Tolerated"; PolyPhen-2: "Probably Damaging"; Align-GVGD: "Class C0"). ClinVar contains an entry for this variant (Variation ID: 1433098). This variant has not been reported in the literature in individuals affected with SLC9A6-related conditions. This variant is not present in population databases (gnomAD no frequency). This sequence change replaces threonine, which is neutral and polar, with serine, which is neutral and polar, at codon 340 of the SLC9A6 protein (p.Thr340Ser).

NM_001379110.1(SLC9A6):c.959C>G (p.Thr320Ser)

Gene: SLC9A6 (solute carrier family 9 member A6; plus strand). Cytogenetic location: Xq26.3.
Variant type: single nucleotide variant.
Coding change: c.959C>G on transcript NM_001379110.1 (MANE Select); coding-DNA position 959, C replaced by G.
Protein change: p.Thr320Ser; replaces threonine 320 with serine.
Molecular consequence: missense variant.
Genome position (GRCh38, 1-based): chrX:136,013,022, C>G. VCF-style: chrX-136013022-C-G. GRCh37 (hg19) VCF-style: chrX-135095181-C-G.
Other names: c.1115C>G, p.Thr372Ser (NM_001042537.2); c.959C>G, p.Thr320Ser (NM_001177651.2); c.863C>G, p.Thr288Ser (NM_001330652.2); c.1019C>G, p.Thr340Ser (NM_006359.3); short protein forms T372S, T288S, T320S, T340S.
Identifiers: ClinVar variation 1433098 (VCV001433098.6), dbSNP rs2148173982, ClinGen allele CA414751770.